The following is an entry in ClinVar:

ClinVar aggregate classification (germline): Uncertain significance. Review status: criteria provided, multiple submitters, no conflicts (2 of 4 stars). 5 submissions from 5 submitters: Uncertain significance (5). Last evaluated 2025-12-20.

Conditions:
Charcot-Marie-Tooth disease. Also called: Charcot-Marie-Tooth Neuropathy; Charcot-Marie-Tooth Hereditary Neuropathy. Identifiers: Orphanet 166, MedGen C0007959, MONDO:0015626.
MARS1-related disorder. Also called: MARS1-related condition.
Severe early-onset pulmonary alveolar proteinosis due to MARS deficiency. Also called: PULMONARY ALVEOLAR PROTEINOSIS, REUNION ISLAND; Interstitial lung and liver disease. Identifiers: Orphanet 440427, MedGen C4225400, MONDO:0014206, OMIM 615486.
Charcot-Marie-Tooth disease axonal type 2U. Also called: CHARCOT-MARIE-TOOTH NEUROPATHY, TYPE 2U; CHARCOT-MARIE-TOOTH DISEASE, AXONAL, AUTOSOMAL DOMINANT, TYPE 2U. Identifiers: Orphanet 397735, MedGen C4084821, MONDO:0014566, OMIM 616280.

Allele frequency attached by ClinVar (database versions not stated): TOPMed 0.00002; ExAC 0.00003; gnomAD 0.00003; gnomAD exomes 0.00003 and 0.00004.
gnomAD v4.1: 67 of 1,614,030 alleles (0.0042%); highest among the groups gnomAD compares: Non-Finnish European, 0.0053%; no homozygotes.

Submissions (5):

Labcorp Genetics (formerly Invitae), Labcorp
Classification: Uncertain significance for Charcot-Marie-Tooth disease axonal type 2U; Severe early-onset pulmonary alveolar proteinosis due to MARS deficiency. Last evaluated: 2025-12-20. Review status: criteria provided, single submitter. Criteria: Invitae Variant Classification Sherloc (09022015). Collection method: clinical testing. Allele origin: germline.
Comment: This sequence change replaces proline, which is neutral and non-polar, with histidine, which is basic and polar, at codon 558 of the MARS protein (p.Pro558His). This variant is present in population databases (rs771808261, gnomAD 0.006%). This variant has not been reported in the literature in individuals affected with MARS-related conditions. ClinVar contains an entry for this variant (Variation ID: 542172). An algorithm developed to predict the effect of missense changes on protein structure and function (PolyPhen-2) suggests that this variant is likely to be disruptive. In summary, the available evidence is currently insufficient to determine the role of this variant in disease. Therefore, it has been classified as a Variant of Uncertain Significance.

Mayo Clinic Laboratories, Mayo Clinic
Classification: Uncertain significance. Last evaluated: 2023-08-24. Review status: criteria provided, single submitter. Criteria: ACMG Guidelines, 2015. Collection method: clinical testing. Allele origin: germline. Observed: 1 variant allele.

PreventionGenetics, part of Exact Sciences
Classification: Uncertain significance for MARS1-related condition. Last evaluated: 2022-10-17. Review status: criteria provided, single submitter. Criteria: ACMG Guidelines, 2015. Collection method: clinical testing. Allele origin: germline.
Comment: The MARS1 c.1673C>A variant is predicted to result in the amino acid substitution p.Pro558His. To our knowledge, this variant has not been reported in the literature. This variant is reported in 0.0054% of alleles in individuals of European (Non-Finnish) descent in gnomAD. At this time, the clinical significance of this variant is uncertain due to the absence of conclusive functional and genetic evidence.

GeneDx
Classification: Uncertain significance. Last evaluated: 2019-08-15. Review status: criteria provided, single submitter. Criteria: GeneDx Variant Classification Process June 2021. Collection method: clinical testing. Allele origin: germline. Affected: yes.
Comment: In silico analysis, which includes protein predictors and evolutionary conservation, supports a deleterious effect; Has not been previously published as pathogenic or benign to our knowledge

Molecular Genetics Laboratory, London Health Sciences Centre
Classification: Uncertain significance for Charcot-Marie-Tooth disease. Review status: criteria provided, single submitter. Criteria: ACMG Guidelines, 2015. Collection method: clinical testing. Allele origin: germline. Affected: yes.

NM_004990.4(MARS1):c.1673C>A (p.Pro558His)

Gene: MARS1 (methionyl-tRNA synthetase 1; plus strand). Cytogenetic location: 12q13.3.
Variant type: single nucleotide variant.
Coding change: c.1673C>A on transcript NM_004990.4 (MANE Select); coding-DNA position 1673, C replaced by A.
Protein change: p.Pro558His; replaces proline 558 with histidine.
Molecular consequence: missense variant.
Genome position (GRCh38, 1-based): chr12:57,512,273, C>A. VCF-style: chr12-57512273-C-A. GRCh37 (hg19) VCF-style: chr12-57906056-C-A.
Other names: p.Pro558His; short protein forms P558H.
Identifiers: ClinVar variation 542172 (VCV000542172.13), dbSNP rs771808261, ClinGen allele CA6650587.